The following is an entry in ClinVar:

NM_016151.4(TAOK2):c.3076C>G (p.Leu1026Val)

Gene: TAOK2 (TAO kinase 2; plus strand). Cytogenetic location: 16p11.2.
Variant type: single nucleotide variant.
Coding change: c.3076C>G on transcript NM_016151.4 (MANE Select); coding-DNA position 3076, C replaced by G.
Protein change: p.Leu1026Val; replaces leucine 1026 with valine.
Molecular consequence: missense variant. On other transcripts: intron variant (1).
Genome position (GRCh38, 1-based): chr16:29,987,348, C>G. VCF-style: chr16-29987348-C-G. GRCh37 (hg19) VCF-style: chr16-29998669-C-G.
Other names: c.2737C>G, p.Leu913Val (NM_001252043.2); c.2232+844C>G (NM_004783.4); c.3076C>G (NM_016151.2); short protein forms L1026V, L913V.
Identifiers: ClinVar variation 1440856 (VCV001440856.7), dbSNP rs774378915, ClinGen allele CA7998495.

ClinVar aggregate classification (germline): Uncertain significance. Review status: criteria provided, multiple submitters, no conflicts (2 of 4 stars). 2 submissions from 2 submitters: Uncertain significance (2). Last evaluated 2025-12-20.

Allele frequency attached by ClinVar (database versions not stated): ExAC 0.00001; gnomAD 0.00004 and 0.00005; TOPMed 0.00008.
gnomAD v4.1: 104 of 1,569,380 alleles (0.0066%); highest among the groups gnomAD compares: Non-Finnish European, 0.008%; no homozygotes.

Submissions (2):

Labcorp Genetics (formerly Invitae), Labcorp
Classification: Uncertain significance. Last evaluated: 2025-12-20. Review status: criteria provided, single submitter. Criteria: Invitae Variant Classification Sherloc (09022015). Collection method: clinical testing. Allele origin: germline.
Comment: This sequence change replaces leucine, which is neutral and non-polar, with valine, which is neutral and non-polar, at codon 1026 of the TAOK2 protein (p.Leu1026Val). This variant is present in population databases (rs774378915, gnomAD 0.005%). This variant has not been reported in the literature in individuals affected with TAOK2-related conditions. ClinVar contains an entry for this variant (Variation ID: 1440856). An algorithm developed to predict the effect of missense changes on protein structure and function (PolyPhen-2) suggests that this variant is likely to be disruptive. In summary, the available evidence is currently insufficient to determine the role of this variant in disease. Therefore, it has been classified as a Variant of Uncertain Significance.

Ambry Genetics
Classification: Uncertain significance. Last evaluated: 2024-03-19. Review status: criteria provided, single submitter. Criteria: Ambry Variant Classification Scheme 2023. Collection method: clinical testing. Allele origin: germline.